The following is an entry in ClinVar:

NM_000264.5(PTCH1):c.3306+4T>C

Gene: PTCH1 (patched 1; minus strand). Cytogenetic location: 9q22.32.
Variant type: single nucleotide variant.
Coding change: c.3306+4T>C on transcript NM_000264.5 (MANE Select); 4 bases into the intron after coding-DNA position 3306, T replaced by C.
Molecular consequence: intron variant.
Genome position (GRCh38, 1-based): chr9:95,456,272, A>G on the plus strand (T>C on the coding strand, the complement: PTCH1 is on the minus strand). VCF-style: chr9-95456272-A-G. GRCh37 (hg19) VCF-style: chr9-98218554-A-G.
Other names: c.3150+4T>C (NM_001354918.2); c.3108+4T>C (NM_001083602.3); c.3303+4T>C (NM_001083603.3); c.2853+4T>C (NM_001083605.3, NM_001083604.3, NM_001083606.3 and 1 more transcripts).
Identifiers: ClinVar variation 2564394 (VCV002564394.2), dbSNP rs2136647019, ClinGen allele CA2580616247.

ClinVar aggregate classification (germline): Uncertain significance (1 of 4 stars; one submission).

Conditions:
Hereditary cancer-predisposing syndrome. Also called: Neoplastic Syndromes, Hereditary; Hereditary Cancer Syndrome; Hereditary neoplastic syndrome; Tumor predisposition. Identifiers: Orphanet 140162, MedGen C0027672, MeSH D009386, MONDO:0015356.

Allele frequency attached by ClinVar (database versions not stated): gnomAD exomes below 0.00001.
gnomAD v4.1: 1 of 1,613,662 alleles (0.000062%); highest among the groups gnomAD compares: African/African-American, 0.0013%; no homozygotes.

Submission:

Ambry Genetics
Classification: Uncertain significance for Hereditary cancer-predisposing syndrome. Last evaluated: 2023-06-01. Review status: criteria provided, single submitter. Criteria: Ambry Variant Classification Scheme 2023. Collection method: clinical testing. Allele origin: germline.
Comment: The c.3306+4T>C intronic variant results from a T to C substitution 4 nucleotides after coding exon 19 in the PTCH1 gene. This nucleotide position is not well conserved in available vertebrate species. In silico splice site analysis predicts that this alteration will not have any significant effect on splicing. Since supporting evidence is limited at this time, the clinical significance of this alteration remains unclear.